The following is an entry in ClinVar:

NM_000264.5(PTCH1):c.401G>A (p.Gly134Glu)

Gene: PTCH1 (patched 1; minus strand). Cytogenetic location: 9q22.32.
Variant type: single nucleotide variant.
Coding change: c.401G>A on transcript NM_000264.5 (MANE Select); coding-DNA position 401, G replaced by A.
Protein change: p.Gly134Glu; replaces glycine 134 with glutamic acid.
Molecular consequence: missense variant. On other transcripts: 5 prime UTR variant (4), non-coding transcript variant (1).
Genome position (GRCh38, 1-based): chr9:95,485,868, C>T on the plus strand (G>A on the coding strand, the complement: PTCH1 is on the minus strand). VCF-style: chr9-95485868-C-T. GRCh37 (hg19) VCF-style: chr9-98248150-C-T.
Other names: c.203G>A, p.Gly68Glu (NM_001083602.3, NM_001354919.2); c.398G>A, p.Gly133Glu (NM_001083603.3); c.-53G>A (NM_001083604.3, NM_001083605.3, NM_001083606.3 and 1 more transcripts); c.401G>A, p.Gly134Glu (NM_001354918.2); short protein forms G134E, G68E, G133E.
Identifiers: ClinVar variation 3706068 (VCV003706068.3).
Genomic context (GRCh38, chr9:95,485,868, plus strand): 5'-TTAAACATAGCCTCTTCTCCAATCTTCTGGCGAGTATAATTTAATTCACGACTTACTCGT[C>T]CTCCAACTGACAAATATGTACAGGTTTAATTAGAATAGCAAAATCACTGCAAACTCATGT-3'
Protein context (NP_000255.2, residues 124-144): NVEELWVEVG[Gly134Glu]RVSRELNYTR

ClinVar aggregate classification (germline): Conflicting classifications of pathogenicity. Review status: criteria provided, conflicting classifications (1 of 4 stars). 2 submissions from 2 submitters: Uncertain significance (1); Likely benign (1). Last evaluated 2025-12-30.

Conditions:
Hereditary cancer-predisposing syndrome. Also called: Hereditary Cancer Syndrome; Neoplastic Syndromes, Hereditary; Tumor predisposition; Hereditary neoplastic syndrome. Identifiers: Orphanet 140162, MedGen C0027672, MeSH D009386, MONDO:0015356.
Gorlin syndrome. Also called: Nevoid Basal Cell Carcinoma Syndrome; Basal cell nevus syndrome. Identifiers: Orphanet 377, MedGen C0004779, MONDO:0007187.

gnomAD v4.1: 6 of 1,614,174 alleles (0.00037%); highest among the groups gnomAD compares: South Asian, 0.0011%; no homozygotes.

Submissions (2):

Ambry Genetics
Classification: Uncertain significance for Hereditary cancer-predisposing syndrome. Last evaluated: 2025-12-30. Review status: criteria provided, single submitter. Criteria: Ambry Variant Classification Scheme 2023. Collection method: clinical testing. Allele origin: germline.
Comment: The p.G134E variant (also known as c.401G>A), located in coding exon 3 of the PTCH1 gene, results from a G to A substitution at nucleotide position 401. The glycine at codon 134 is replaced by glutamic acid, an amino acid with similar properties. This amino acid position is highly conserved in available vertebrate species. In addition, this alteration is predicted to be deleterious by in silico analysis. Based on the available evidence, the clinical significance of this variant remains unclear.

Labcorp Genetics (formerly Invitae), Labcorp
Classification: Likely benign for Gorlin syndrome. Last evaluated: 2024-04-01. Review status: criteria provided, single submitter. Criteria: Invitae Variant Classification Sherloc (09022015). Collection method: clinical testing. Allele origin: germline.